The following is an entry in ClinVar:

NM_003079.5(SMARCE1):c.587T>C (p.Phe196Ser)

Gene: SMARCE1 (SWI/SNF related, matrix associated, actin dependent regulator of chromatin, subfamily e, member 1; minus strand). Cytogenetic location: 17q21.2.
Variant type: single nucleotide variant.
Coding change: c.587T>C on transcript NM_003079.5 (MANE Select); coding-DNA position 587, T replaced by C.
Protein change: p.Phe196Ser; replaces phenylalanine 196 with serine.
Molecular consequence: missense variant.
Genome position (GRCh38, 1-based): chr17:40,632,322, A>G on the plus strand (T>C on the coding strand, the complement: SMARCE1 is on the minus strand). VCF-style: chr17-40632322-A-G. GRCh37 (hg19) VCF-style: chr17-38788574-A-G.
Other names: short protein forms F196S.
Identifiers: ClinVar variation 1699727 (VCV001699727.2), dbSNP rs2143988498, ClinGen allele CA399364814.

ClinVar aggregate classification (germline): Uncertain significance (1 of 4 stars; one submission).

Submission:

GeneDx
Classification: Uncertain significance. Last evaluated: 2022-01-27. Review status: criteria provided, single submitter. Criteria: GeneDx Variant Classification Process June 2021. Collection method: clinical testing. Allele origin: germline. Affected: yes.
Comment: Not observed at significant frequency in large population cohorts (gnomAD); In silico analysis supports that this missense variant has a deleterious effect on protein structure/function; Has not been previously published as pathogenic or benign to our knowledge; This variant is associated with the following publications: (PMID: 19245665)